The following is an entry in ClinVar:

ClinVar aggregate classification (germline): Uncertain significance (1 of 4 stars; one submission).

Submission:

GeneDx
Classification: Uncertain significance. Last evaluated: 2022-12-28. Review status: criteria provided, single submitter. Criteria: GeneDx Variant Classification Process June 2021. Collection method: clinical testing. Allele origin: germline. Affected: yes.
Comment: Not observed at significant frequency in large population cohorts (gnomAD); Missense variants in this gene are often considered pathogenic (HGMD); In silico analysis supports that this missense variant has a deleterious effect on protein structure/function; Has not been previously published as pathogenic or benign to our knowledge; This variant is associated with the following publications: (PMID: 20829227)

NM_006086.4(TUBB3):c.200A>T (p.Asp67Val)

Gene: TUBB3 (tubulin beta 3 class III; plus strand). Cytogenetic location: 16q24.3.
Variant type: single nucleotide variant.
Coding change: c.200A>T on transcript NM_006086.4 (MANE Select); coding-DNA position 200, A replaced by T.
Protein change: p.Asp67Val; replaces aspartic acid 67 with valine.
Molecular consequence: missense variant. On other transcripts: 5 prime UTR variant (1).
Genome position (GRCh38, 1-based): chr16:89,933,501, A>T. VCF-style: chr16-89933501-A-T. GRCh37 (hg19) VCF-style: chr16-89999909-A-T.
Other names: c.-17A>T (NM_001197181.2); short protein forms D67V.
Identifiers: ClinVar variation 2572667 (VCV002572667.1), dbSNP rs2544625607, ClinGen allele CA397471243.